The following is an entry in ClinVar:

NM_001048174.2(MUTYH):c.385C>A (p.Pro129Thr)

Gene: MUTYH (mutY DNA glycosylase; minus strand). Cytogenetic location: 1p34.1.
Variant type: single nucleotide variant.
Coding change: c.385C>A on transcript NM_001048174.2 (MANE Select); coding-DNA position 385, C replaced by A.
Protein change: p.Pro129Thr; replaces proline 129 with threonine.
Molecular consequence: missense variant. On other transcripts: non-coding transcript variant (2).
Genome position (GRCh38, 1-based): chr1:45,332,953, G>T on the plus strand (C>A on the coding strand, the complement: MUTYH is on the minus strand). VCF-style: chr1-45332953-G-T. GRCh37 (hg19) VCF-style: chr1-45798625-G-T.
Other names: c.385C>A, p.Pro129Thr (NM_001048171.2, NM_001048173.2, NM_001293195.2 and 5 more transcripts); c.388C>A, p.Pro130Thr (NM_001048172.2, NM_001407071.1, NM_001407078.1 and 1 more transcripts); c.469C>A, p.Pro157Thr (NM_001128425.2); c.430C>A, p.Pro144Thr (NM_001293190.2); c.418C>A, p.Pro140Thr (NM_001293191.2, NM_001407077.1); c.109C>A, p.Pro37Thr (NM_001293192.2, NM_001293196.2, NM_001407091.1); c.40C>A, p.Pro14Thr (NM_001350650.2, NM_001350651.2, NM_001407082.1); c.301C>A, p.Pro101Thr (NM_001407075.1); and 3 more; short protein forms P140T, P144T, P157T, P37T, P101T, P130T, P14T, P136T.
Identifiers: ClinVar variation 1932948 (VCV001932948.2), dbSNP rs1114167684, ClinGen allele CA340136009.

ClinVar aggregate classification (germline): Uncertain significance (1 of 4 stars; one submission).

Conditions:
Familial adenomatous polyposis 2. Also called: FAP type 2; MUTYH-related attenuated familial adenomatous polyposis; COLORECTAL ADENOMATOUS POLYPOSIS, AUTOSOMAL RECESSIVE; ADENOMAS, MULTIPLE COLORECTAL, AUTOSOMAL RECESSIVE; MUTYH Polyposis; Adenomas, multiple colorectal. Identifiers: Orphanet 220460, Orphanet 247798, MedGen C3272841, MONDO:0012041, OMIM 608456.

Submission:

Labcorp Genetics (formerly Invitae), Labcorp
Classification: Uncertain significance for Familial adenomatous polyposis 2. Last evaluated: 2021-08-27. Review status: criteria provided, single submitter. Criteria: Invitae Variant Classification Sherloc (09022015). Collection method: clinical testing. Allele origin: germline.
Comment: This sequence change replaces proline with threonine at codon 157 of the MUTYH protein (p.Pro157Thr). The proline residue is highly conserved and there is a small physicochemical difference between proline and threonine. This variant is not present in population databases (ExAC no frequency). This variant has not been reported in the literature in individuals affected with MUTYH-related conditions. Algorithms developed to predict the effect of missense changes on protein structure and function (SIFT, PolyPhen-2, Align-GVGD) all suggest that this variant is likely to be disruptive. This variant disrupts the p.Pro157 amino acid residue in MUTYH. Other variant(s) that disrupt this residue have been determined to be pathogenic (PMID: 19394335, 27829682; Invitae). This suggests that this residue is clinically significant, and that variants that disrupt this residue are likely to be disease-causing. In summary, the available evidence is currently insufficient to determine the role of this variant in disease. Therefore, it has been classified as a Variant of Uncertain Significance.

Literature cited by the submitters: PubMed 19394335; PubMed 27829682.